The following is an entry in ClinVar:

ClinVar aggregate classification (germline): Uncertain significance. Review status: criteria provided, multiple submitters, no conflicts (2 of 4 stars). 3 submissions from 3 submitters: Uncertain significance (3). Last evaluated 2025-04-12.

Conditions:
Inborn genetic diseases. Identifiers: MedGen C0950123, MeSH D030342.
Fanconi anemia (FA). Also called: Fanconi's anemia. Identifiers: Orphanet 84, MedGen C0015625, MeSH D005199, MONDO:0019391.
Fanconi anemia complementation group I (FANCI). Also called: FANCI-Related Fanconi Anemia. Identifiers: Orphanet 84, MedGen C1836861, MONDO:0012186, OMIM 609053.

Allele frequency attached by ClinVar (database versions not stated): gnomAD exomes 0.00001 and 0.00002; ExAC 0.00002; ESP Exome Variant Server 0.00008; TOPMed 0.00010; gnomAD 0.00012.
gnomAD v4.1: 26 of 1,614,022 alleles (0.0016%); highest among the groups gnomAD compares: African/African-American, 0.031%; no homozygotes.

Submissions (3):

Ambry Genetics
Classification: Uncertain significance for Inborn genetic diseases. Last evaluated: 2025-04-12. Review status: criteria provided, single submitter. Criteria: Ambry Variant Classification Scheme 2023. Collection method: clinical testing. Allele origin: germline.

Fulgent Genetics
Classification: Uncertain significance for Fanconi anemia complementation group I. Last evaluated: 2022-04-27. Review status: criteria provided, single submitter. Criteria: ACMG Guidelines, 2015. Collection method: clinical testing. Allele origin: unknown.

Labcorp Genetics (formerly Invitae), Labcorp
Classification: Uncertain significance for Fanconi anemia. Last evaluated: 2022-02-20. Review status: criteria provided, single submitter. Criteria: Invitae Variant Classification Sherloc (09022015). Collection method: clinical testing. Allele origin: germline.
Comment: This sequence change replaces lysine, which is basic and polar, with glutamic acid, which is acidic and polar, at codon 1290 of the FANCI protein (p.Lys1290Glu). This variant is present in population databases (rs374908061, gnomAD 0.01%). This variant has not been reported in the literature in individuals affected with FANCI-related conditions. ClinVar contains an entry for this variant (Variation ID: 408249). Algorithms developed to predict the effect of missense changes on protein structure and function (SIFT, PolyPhen-2, Align-GVGD) all suggest that this variant is likely to be tolerated. In summary, the available evidence is currently insufficient to determine the role of this variant in disease. Therefore, it has been classified as a Variant of Uncertain Significance.

NM_001113378.2(FANCI):c.3868A>G (p.Lys1290Glu)

Gene: FANCI (FA complementation group I; plus strand). Cytogenetic location: 15q26.1.
Variant type: single nucleotide variant.
Coding change: c.3868A>G on transcript NM_001113378.2 (MANE Select); coding-DNA position 3868, A replaced by G.
Protein change: p.Lys1290Glu; replaces lysine 1290 with glutamic acid.
Molecular consequence: missense variant.
Genome position (GRCh38, 1-based): chr15:89,315,333, A>G. VCF-style: chr15-89315333-A-G. GRCh37 (hg19) VCF-style: chr15-89858564-A-G.
Other names: c.3589A>G, p.Lys1197Glu (NM_001376910.1); c.3868A>G, p.Lys1290Glu (NM_001376911.1); c.3688A>G, p.Lys1230Glu (NM_018193.3); short protein forms K1290E, K1230E, K1197E.
Identifiers: ClinVar variation 408249 (VCV000408249.8), dbSNP rs374908061, ClinGen allele CA7723937.